The following is an entry in ClinVar:

ClinVar aggregate classification (germline): Uncertain significance (1 of 4 stars; one submission).

Submission:

Labcorp Genetics (formerly Invitae), Labcorp
Classification: Uncertain significance. Last evaluated: 2022-01-23. Review status: criteria provided, single submitter. Criteria: Invitae Variant Classification Sherloc (09022015). Collection method: clinical testing. Allele origin: germline.
Comment: This sequence change replaces asparagine, which is neutral and polar, with serine, which is neutral and polar, at codon 149 of the MRAS protein (p.Asn149Ser). This variant is not present in population databases (gnomAD no frequency). This variant has not been reported in the literature in individuals affected with MRAS-related conditions. Algorithms developed to predict the effect of missense changes on protein structure and function output the following: SIFT: "Tolerated"; PolyPhen-2: "Benign"; Align-GVGD: "Class C0". The serine amino acid residue is found in multiple mammalian species, which suggests that this missense change does not adversely affect protein function. Algorithms developed to predict the effect of sequence changes on RNA splicing suggest that this variant may disrupt the consensus splice site. In summary, the available evidence is currently insufficient to determine the role of this variant in disease. Therefore, it has been classified as a Variant of Uncertain Significance.

NM_001085049.3(MRAS):c.446A>G (p.Asn149Ser)

Gene: MRAS (muscle RAS oncogene homolog; plus strand). Cytogenetic location: 3q22.3.
Variant type: single nucleotide variant.
Coding change: c.446A>G on transcript NM_001085049.3 (MANE Select); coding-DNA position 446, A replaced by G.
Protein change: p.Asn149Ser; replaces asparagine 149 with serine.
Molecular consequence: missense variant.
Genome position (GRCh38, 1-based): chr3:138,398,567, A>G. VCF-style: chr3-138398567-A-G. GRCh37 (hg19) VCF-style: chr3-138117409-A-G.
Other names: c.446A>G, p.Asn149Ser (NM_001252090.2, NM_012219.4); c.218A>G, p.Asn73Ser (NM_001252091.1, NM_001252092.2, NM_001252093.2); short protein forms N73S, N149S.
Identifiers: ClinVar variation 2089272 (VCV002089272.4), dbSNP rs2474157229, ClinGen allele CA354674906.